The following is an entry in ClinVar:

NM_000059.4(BRCA2):c.9235G>C (p.Val3079Leu)

Gene: BRCA2 (BRCA2 DNA repair associated; plus strand). Cytogenetic location: 13q13.1.
Variant type: single nucleotide variant.
Coding change: c.9235G>C on transcript NM_000059.4 (MANE Select); coding-DNA position 9235, G replaced by C.
Protein change: p.Val3079Leu; replaces valine 3079 with leucine.
Molecular consequence: missense variant. On other transcripts: non-coding transcript variant (1).
Genome position (GRCh38, 1-based): chr13:32,380,124, G>C. VCF-style: chr13-32380124-G-C. GRCh37 (hg19) VCF-style: chr13-32954261-G-C.
Other names: c.9139G>C, p.Val3047Leu (NM_001406719.1); c.9184G>C, p.Val3062Leu (NM_001406720.1); c.4303G>C, p.Val1435Leu (NM_001406721.1); c.2818G>C, p.Val940Leu (NM_001406722.1); short protein forms V3047L, V3062L, V3079L, V1435L, V940L.
Identifiers: ClinVar variation 2566026 (VCV002566026.7), dbSNP rs55933907, ClinGen allele CA387758582.

ClinVar aggregate classification (germline): Conflicting classifications of pathogenicity. Review status: criteria provided, conflicting classifications (1 of 4 stars). 3 submissions from 3 submitters: Uncertain significance (2); Likely benign (1). Last evaluated 2026-04-15.

Conditions:
Breast-ovarian cancer, familial, susceptibility to, 2 (BROVCA2). Also called: BRCA2 Hereditary Breast and Ovarian Cancer. Identifiers: Orphanet 145, MedGen C2675520, MONDO:0012933, OMIM 612555. Disease mechanism: loss of function.
Hereditary cancer-predisposing syndrome. Also called: Neoplastic Syndromes, Hereditary; Tumor predisposition; Hereditary neoplastic syndrome; Hereditary Cancer Syndrome. Identifiers: Orphanet 140162, MedGen C0027672, MeSH D009386, MONDO:0015356.

Submissions (3):

Dasa
Classification: Uncertain significance for Breast-ovarian cancer, familial, susceptibility to, 2. Last evaluated: 2026-04-15. Review status: criteria provided, single submitter. Criteria: DASA Assertion Criteria. Collection method: clinical testing. Allele origin: germline.
Comment: NM_000059.4(BRCA2):c.9235G>C (p.Val3079Leu) is a missense variant that results in the substitution of valine with leucine. This variant is absent from population databases. Computational prediction algorithms are consistent with a benign effect. The currently available literature and clinical evidence are not sufficient to establish a definitive association between this variant and the reported condition. Therefore, this variant is classified as a variant of uncertain significance.

Ambry Genetics
Classification: Likely benign for Hereditary cancer-predisposing syndrome. Last evaluated: 2025-05-15. Review status: criteria provided, single submitter. Criteria: Ambry Variant Classification Scheme 2023. Collection method: clinical testing. Allele origin: germline.

Genetic Services Laboratory, University of Chicago
Classification: Uncertain significance. Last evaluated: 2024-01-24. Review status: criteria provided, single submitter. Criteria: ACMG Guidelines, 2015. Collection method: clinical testing. Allele origin: germline. Affected: no.
Comment: DNA sequence analysis of the BRCA2 gene demonstrated a sequence change, c.9235G>C, in exon 24 that results in an amino acid change, p.Val3079Leu. This sequence change does not appear to have been previously described in individuals with BRCA2-related disorders and has also not been described in population databases such as ExAC and gnomAD. The p.Val3079Leu change affects a moderately conserved amino acid residue located in a domain of the BRCA2 protein that is known to be functional. In-silico pathogenicity prediction tools (SIFT, PolyPhen2, Align GVGD, REVEL) provide contradictory results for the p.Val3079Leu substitution. Due to insufficient evidences and the lack of functional studies, the clinical significance of the p.Val3079Leu change remains unknown at this time.